The following is an entry in ClinVar:

ClinVar aggregate classification (germline): Likely pathogenic (1 of 4 stars; one submission).

Conditions:
Retinitis pigmentosa 26 (RP26). Identifiers: Orphanet 791, MedGen C1842127, MONDO:0012024, OMIM 608380.

gnomAD v4.1: 1 of 1,610,190 alleles (0.000062%); highest among the groups gnomAD compares: Non-Finnish European, 0.000085%; no homozygotes.

Submission:

Natera, Inc.
Classification: Likely pathogenic for Retinitis Pigmentosa 26. Last evaluated: 2026-01-15. Review status: criteria provided, single submitter. Criteria: Natera Variant Classification Schema (03/2026). Collection method: clinical testing. Allele origin: germline.
Comment: The c.1552G>T variant in CERKL is a nonsense variant predicted to introduce a stop codon at amino acid 518. This variant is expected to result in nonsense mediated decay, truncation, or a dysfunctional protein product. This variant is rare in the general population with a frequency below the threshold expected for the associated phenotype(s). Given the available evidence, this variant is classified as Likely Pathogenic.

NM_201548.5(CERKL):c.1474G>T (p.Glu492Ter)

Gene: CERKL (CERK like autophagy regulator; minus strand). Cytogenetic location: 2q31.3.
Variant type: single nucleotide variant.
Coding change: c.1474G>T on transcript NM_201548.5 (MANE Select); coding-DNA position 1474, G replaced by T.
Protein change: p.Glu492Ter; replaces glutamic acid 492 with a stop codon.
Molecular consequence: nonsense. On other transcripts: non-coding transcript variant (2).
Genome position (GRCh38, 1-based): chr2:181,539,156, C>A on the plus strand (G>T on the coding strand, the complement: CERKL is on the minus strand). VCF-style: chr2-181539156-C-A. GRCh37 (hg19) VCF-style: chr2-182403883-C-A.
Other names: c.1267G>T, p.Glu423Ter (NM_001030313.3); c.1420G>T, p.Glu474Ter (NM_001160277.2); c.1552G>T, p.Glu518Ter (NM_001030311.3); c.1135G>T, p.Glu379Ter (NM_001030312.3); short protein forms E379*, E423*, E474*, E492*, E518*.
Identifiers: ClinVar variation 4814537 (VCV004814537.1).